The following is an entry in ClinVar:

NM_017433.5(MYO3A):c.3472_3475del (p.Lys1158fs)

Gene: MYO3A (myosin IIIA; plus strand). Cytogenetic location: 10p12.1.
Variant type: Deletion.
Coding change: c.3472_3475del on transcript NM_017433.5 (MANE Select); coding-DNA positions 3472 to 3475, 4 bases deleted (AAAG; older notation c.3472_3475delAAAG).
Protein change: p.Lys1158fs; shifts the reading frame from lysine 1158.
Molecular consequence: frameshift variant.
Genome position (GRCh38, 1-based): chr10:26,173,736-26,173,739, AAAG deleted. VCF-style (leftmost placement, unchanged base first): chr10-26173735-TAAAG-T. GRCh37 (hg19) VCF-style: chr10-26462664-TAAAG-T.
Other names: short protein forms K1158fs.
Identifiers: ClinVar variation 4767773 (VCV004767773.1).
Genomic context (GRCh38, chr10:26,173,735, plus strand): 5'-GAAGAAACAAGCAGAAAATGCAATCTCTGCTAATGAAAGATTCATTTCAGCTCCAAATAA[TAAAG>T]GAAGTGTATCTGTAGTGAAGACTTCCACTTTCAAACCTGAAGAGGAAACCACCAATGCTG-3'

ClinVar aggregate classification (germline): Pathogenic (1 of 4 stars; one submission).

Submission:

Labcorp Genetics (formerly Invitae), Labcorp
Classification: Pathogenic. Last evaluated: 2025-08-17. Review status: criteria provided, single submitter. Criteria: Invitae Variant Classification Sherloc (09022015). Collection method: clinical testing. Allele origin: germline.
Comment: This sequence change creates a premature translational stop signal (p.Lys1158Glufs*5) in the MYO3A gene. It is expected to result in an absent or disrupted protein product. Loss-of-function variants in MYO3A are known to be pathogenic (PMID: 12032315, 23990876). This variant is not present in population databases (gnomAD no frequency). This variant has not been reported in the literature in individuals affected with MYO3A-related conditions. Algorithms developed to predict the effect of sequence changes on RNA splicing suggest that this variant may disrupt the consensus splice site. For these reasons, this variant has been classified as Pathogenic.

Literature cited by the submitters: PubMed 12032315; PubMed 23990876.